The following is an entry in ClinVar:

ClinVar aggregate classification (germline): Pathogenic (1 of 4 stars; one submission).

Conditions:
Aspartylglucosaminuria (AGU). Also called: AGA DEFICIENCY; Aspartylglucos-aminuria; Aspartylglucos-amidase (AGA) deficiency; GLYCOASPARAGINASE; GLYCOSYLASPARAGINASE DEFICIENCY. Identifiers: Orphanet 93, MedGen C0268225, MONDO:0008830, OMIM 208400, HP:0012068.

Submission:

Labcorp Genetics (formerly Invitae), Labcorp
Classification: Pathogenic for Aspartylglucosaminuria. Last evaluated: 2019-03-12. Review status: criteria provided, single submitter. Criteria: Invitae Variant Classification Sherloc (09022015). Collection method: clinical testing. Allele origin: germline.
Comment: For these reasons, this variant has been classified as Pathogenic. Loss-of-function variants in AGA are known to be pathogenic (PMID: 7627186, 11309371). This variant has not been reported in the literature in individuals with AGA-related conditions. This variant is not present in population databases (ExAC no frequency). This sequence change creates a premature translational stop signal (p.Gly186Serfs*2) in the AGA gene. It is expected to result in an absent or disrupted protein product.

Literature cited by the submitters: PubMed 7627186; PubMed 11309371.

NM_000027.4(AGA):c.555_558del (p.Gly186fs)

Gene: AGA (aspartylglucosaminidase; minus strand). Cytogenetic location: 4q34.3.
Variant type: Deletion.
Coding change: c.555_558del on transcript NM_000027.4 (MANE Select); coding-DNA positions 555 to 558, 4 bases deleted (TGGT; older notation c.555_558delTGGT).
Protein change: p.Gly186fs; shifts the reading frame from glycine 186.
Molecular consequence: frameshift variant. On other transcripts: non-coding transcript variant (1).
Genome position (GRCh38, 1-based): chr4:177,437,469-177,437,472, ACCA deleted on the plus strand (TGGT on the coding strand, the reverse complement: AGA is on the minus strand). VCF-style (leftmost placement, unchanged base first): chr4-177437468-TACCA-T. GRCh37 (hg19) VCF-style: chr4-178358622-TACCA-T.
Other names: c.555_558del, p.Gly186fs (NM_001171988.2); short protein forms G186fs.
Identifiers: ClinVar variation 835340 (VCV000835340.7), dbSNP rs1736861131, ClinGen allele CA916082668.
Genomic context (GRCh38, chr4:177,437,468, plus strand): 5'-TAGTGTCATGACCACGATCATCTTCTGTTTCTTTATGGATAGGAATATCCTGCTTTAAGA[TACCA>T]GGTGGTTTGTAGGGTCCGCAGTATTTTGAGGGATCTGGTATAACATTCTGTAAACAAGAT-3'